The following is an entry in ClinVar:

ClinVar aggregate classification (germline): Likely benign (1 of 4 stars; one submission).

Conditions:
NRP1-related disorder. Also called: NRP1-related condition.

Submission:

PreventionGenetics, part of Exact Sciences
Classification: Likely benign for NRP1-related condition. Last evaluated: 2026-08-05. Review status: criteria provided, single submitter. Criteria: ACMG Guidelines, 2015. Collection method: clinical testing. Allele origin: germline.
Comment: This variant is classified as likely benign based on ACMG/AMP sequence variant interpretation guidelines (Richards et al. 2015 PMID: 25741868, with internal and published modifications).

NM_003873.7(NRP1):c.273T>C (p.Asp91=)

Gene: NRP1 (neuropilin 1; minus strand). Cytogenetic location: 10p11.22.
Variant type: single nucleotide variant.
Coding change: c.273T>C on transcript NM_003873.7 (MANE Select); coding-DNA position 273, T replaced by C.
Protein change: p.Asp91=; no amino-acid change (aspartic acid 91 retained).
Molecular consequence: synonymous variant.
Genome position (GRCh38, 1-based): chr10:33,270,832, A>G on the plus strand (T>C on the coding strand, the complement: NRP1 is on the minus strand). VCF-style: chr10-33270832-A-G. GRCh37 (hg19) VCF-style: chr10-33559760-A-G.
Other names: c.273T>C, p.Asp91= (NM_001024628.3, NM_001024629.3, NM_001244972.2 and 2 more transcripts).
Identifiers: ClinVar variation 4993473 (VCV004993473.1).
Genomic context (GRCh38, chr10:33,270,832, plus strand): 5'-AGGAGGAGGGGCTATCTTTCCACAGAACTTTCCCCTAAAATGTCCATTTTCATTTTCTCC[A>G]TCGAAGACTTCCACGTAGTCATACCTAATACACAAACATGGAAGAAAACATTAGGTTGGT-3'
Protein context (NP_003864.5, residues 81-101): DCKYDYVEVF[Asp91=]GENENGHFRG